The following is an entry in ClinVar:

ClinVar aggregate classification (germline): Likely benign. Review status: criteria provided, multiple submitters, no conflicts (2 of 4 stars). 6 submissions from 6 submitters: Likely benign (3). 3 of the submissions do not count toward it. Last evaluated 2025-12-23.

Conditions:
IFT27-related disorder. Also called: IFT27-related condition.

Allele frequency attached by ClinVar (database versions not stated): 1000 Genomes Project 30x 0.00031; 1000 Genomes Project 0.00040; ExAC 0.00049; gnomAD exomes 0.00061; ESP Exome Variant Server 0.00069; gnomAD 0.00077 and 0.00081; TOPMed 0.00092.
gnomAD v4.1: 1,621 of 1,613,706 alleles (0.1%); highest among the groups gnomAD compares: Non-Finnish European, 0.13%; 2 homozygotes.

Submissions (6):

Labcorp Genetics (formerly Invitae), Labcorp
Classification: Likely benign. Last evaluated: 2025-12-23. Review status: criteria provided, single submitter. Criteria: Invitae Variant Classification Sherloc (09022015). Collection method: clinical testing. Allele origin: germline.

Blueprint Genetics
Classification: Likely benign. Last evaluated: 2024-11-18. Review status: criteria provided, single submitter. Criteria: ACMG Guidelines, 2015. Collection method: clinical testing. Allele origin: germline.

CeGaT Center for Human Genetics Tuebingen
Classification: Likely benign. Last evaluated: 2022-11-01. Review status: criteria provided, single submitter. Criteria: CeGaT Center For Human Genetics Tuebingen Variant Classification Criteria Version 2. Collection method: clinical testing. Allele origin: germline. Affected: yes. Observed: 1 variant allele.
Comment: IFT27: BP4, BP7

PreventionGenetics, part of Exact Sciences
Classification: Likely benign for IFT27-related condition. Last evaluated: 2023-09-20. Review status: no assertion criteria provided. Collection method: clinical testing. Allele origin: germline. Not counted in ClinVar's aggregate classification.
Comment: This variant is classified as likely benign based on ACMG/AMP sequence variant interpretation guidelines (Richards et al. 2015 PMID: 25741868, with internal and published modifications).

Clinical Genetics DNA and cytogenetics Diagnostics Lab, Erasmus MC, Erasmus Medical Center
Classification: Likely benign. Review status: no assertion criteria provided. Collection method: clinical testing. Allele origin: germline. Affected: yes. Study: VKGL Data-share Consensus. Not counted in ClinVar's aggregate classification.

Clinical Genetics, Academic Medical Center
Classification: Benign. Review status: no assertion criteria provided. Collection method: clinical testing. Allele origin: germline. Affected: yes. Study: VKGL Data-share Consensus. Not counted in ClinVar's aggregate classification.

NM_001177701.3(IFT27):c.162G>A (p.Thr54=)

Gene: IFT27 (intraflagellar transport 27; minus strand). Cytogenetic location: 22q12.3.
Variant type: single nucleotide variant.
Coding change: c.162G>A on transcript NM_001177701.3 (MANE Select); coding-DNA position 162, G replaced by A.
Protein change: p.Thr54=; no amino-acid change (threonine 54 retained).
Molecular consequence: synonymous variant.
Genome position (GRCh38, 1-based): chr22:36,767,318, C>T on the plus strand (G>A on the coding strand, the complement: IFT27 is on the minus strand). VCF-style: chr22-36767318-C-T. GRCh37 (hg19) VCF-style: chr22-37163362-C-T.
Other names: c.162G>A, p.Thr54= (NM_001363003.2); c.159G>A, p.Thr53= (NM_006860.5).
Identifiers: ClinVar variation 789909 (VCV000789909.39), dbSNP rs150995999, ClinGen allele CA10212503.